The following is an entry in ClinVar:

NM_000057.4(BLM):c.387G>T (p.Lys129Asn)

Gene: BLM (BLM RecQ like helicase; plus strand). Cytogenetic location: 15q26.1.
Variant type: single nucleotide variant.
Coding change: c.387G>T on transcript NM_000057.4 (MANE Select); coding-DNA position 387, G replaced by T.
Protein change: p.Lys129Asn; replaces lysine 129 with asparagine.
Molecular consequence: missense variant. On other transcripts: 5 prime UTR variant (1).
Genome position (GRCh38, 1-based): chr15:90,749,655, G>T. VCF-style: chr15-90749655-G-T. GRCh37 (hg19) VCF-style: chr15-91292885-G-T.
Other names: c.387G>T, p.Lys129Asn (NM_001287246.2, NM_001287247.2); c.-905G>T (NM_001287248.2); short protein forms K129N.
Identifiers: ClinVar variation 1058565 (VCV001058565.9), dbSNP rs2151147257, ClinGen allele CA393840439.

ClinVar aggregate classification (germline): Uncertain significance (1 of 4 stars; one submission).

Conditions:
Bloom syndrome (BLM). Also called: Bloom-Torre-Machacek syndrome. Identifiers: Orphanet 125, MedGen C0005859, MONDO:0008876, OMIM 210900.

Submission:

Labcorp Genetics (formerly Invitae), Labcorp
Classification: Uncertain significance for Bloom syndrome. Last evaluated: 2020-03-18. Review status: criteria provided, single submitter. Criteria: Invitae Variant Classification Sherloc (09022015). Collection method: clinical testing. Allele origin: germline.
Comment: This sequence change replaces lysine with asparagine at codon 129 of the BLM protein (p.Lys129Asn). The lysine residue is weakly conserved and there is a moderate physicochemical difference between lysine and asparagine. This variant is not present in population databases (ExAC no frequency). This variant has not been reported in the literature in individuals with BLM-related conditions. Algorithms developed to predict the effect of missense changes on protein structure and function (SIFT, PolyPhen-2, Align-GVGD) all suggest that this variant is likely to be tolerated, but these predictions have not been confirmed by published functional studies and their clinical significance is uncertain. In summary, the available evidence is currently insufficient to determine the role of this variant in disease. Therefore, it has been classified as a Variant of Uncertain Significance.